The following is an entry in ClinVar:

NM_001611.5(ACP5):c.632T>C (p.Ile211Thr)

Gene: ACP5 (acid phosphatase 5, tartrate resistant; minus strand). Cytogenetic location: 19p13.2.
Variant type: single nucleotide variant.
Coding change: c.632T>C on transcript NM_001611.5 (MANE Select); coding-DNA position 632, T replaced by C.
Protein change: p.Ile211Thr; replaces isoleucine 211 with threonine.
Molecular consequence: missense variant.
Genome position (GRCh38, 1-based): chr19:11,576,346, A>G on the plus strand (T>C on the coding strand, the complement: ACP5 is on the minus strand). VCF-style: chr19-11576346-A-G. GRCh37 (hg19) VCF-style: chr19-11687161-A-G.
Other names: c.632T>C, p.Ile211Thr (NM_001111034.3, NM_001111035.3, NM_001111036.3 and 1 more transcripts); short protein forms I211T.
Identifiers: ClinVar variation 944192 (VCV000944192.8), dbSNP rs770788576, ClinGen allele CA9215370.
Genomic context (GRCh38, chr19:11,576,346, plus strand): 5'-TATGTGGCCAGCAGTGGCCGTAGCTGCTTGACCAGGCAGTGGGTAGGCCCGTGCTCGGCT[A>G]TGGACCACACGGGGTAGTGGCCAGCCACCAGCACGTAGTCCTCCCTGGCCGCCGCCAGCT-3'
Protein context (NP_001602.1, residues 201-221): LVAGHYPVWS[Ile211Thr]AEHGPTHCLV

ClinVar aggregate classification (germline): Uncertain significance. Review status: criteria provided, multiple submitters, no conflicts (2 of 4 stars). 2 submissions from 2 submitters: Uncertain significance (2). Last evaluated 2022-10-31.

Conditions:
Spondyloenchondrodysplasia with immune dysregulation (SPENCDI). Also called: COMBINED IMMUNODEFICIENCY WITH AUTOIMMUNITY AND SPONDYLOMETAPHYSEAL DYSPLASIA; SPONDYLOENCHONDRODYSPLASIA WITH OR WITHOUT IMMUNE DYSREGULATION; ROIFMAN IMMUNOSKELETAL SYNDROME. Identifiers: Orphanet 1855, MedGen C1842763, MONDO:0011939, OMIM 607944.

Allele frequency attached by ClinVar (database versions not stated): ExAC 0.00001; gnomAD 0.00001; gnomAD exomes 0.00001; TOPMed 0.00001.

Submissions (2):

Blueprint Genetics
Classification: Uncertain significance. Last evaluated: 2022-10-31. Review status: criteria provided, single submitter. Criteria: ACMG Guidelines, 2015. Collection method: clinical testing. Allele origin: germline.

Labcorp Genetics (formerly Invitae), Labcorp
Classification: Uncertain significance for Spondyloenchondrodysplasia with immune dysregulation. Last evaluated: 2020-12-08. Review status: criteria provided, single submitter. Criteria: Invitae Variant Classification Sherloc (09022015). Collection method: clinical testing. Allele origin: germline.
Comment: This sequence change replaces isoleucine with threonine at codon 211 of the ACP5 protein (p.Ile211Thr). The isoleucine residue is moderately conserved and there is a moderate physicochemical difference between isoleucine and threonine. This variant is present in population databases (rs770788576, ExAC 0.002%). This variant has not been reported in the literature in individuals with ACP5-related conditions. Algorithms developed to predict the effect of missense changes on protein structure and function (SIFT, PolyPhen-2, Align-GVGD) all suggest that this variant is likely to be disruptive, but these predictions have not been confirmed by published functional studies and their clinical significance is uncertain. Algorithms developed to predict the effect of sequence changes on RNA splicing suggest that this variant may create or strengthen a splice site, but this prediction has not been confirmed by published transcriptional studies. In summary, the available evidence is currently insufficient to determine the role of this variant in disease. Therefore, it has been classified as a Variant of Uncertain Significance.